The following is an entry in ClinVar:

ClinVar aggregate classification (germline): Uncertain significance. Review status: criteria provided, single submitter (1 of 4 stars). 2 submissions from 2 submitters: Uncertain significance (1). 1 of the submissions does not count toward it. Last evaluated 2024-07-01.

Conditions:
Dopa-responsive dystonia due to sepiapterin reductase deficiency. Also called: DYT-SPR; SPR DEFICIENCY; Sepiapterin reductase deficiency. Identifiers: Orphanet 70594, MedGen C0268468, MONDO:0012994, OMIM 612716.

Allele frequency attached by ClinVar (database versions not stated): gnomAD 0.00003 and 0.00004; gnomAD exomes 0.00003; TOPMed 0.00003; ExAC 0.00020.

Submissions (2):

CeGaT Center for Human Genetics Tuebingen
Classification: Uncertain significance. Last evaluated: 2024-07-01. Review status: criteria provided, single submitter. Criteria: CeGaT Center For Human Genetics Tuebingen Variant Classification Criteria Version 2. Collection method: clinical testing. Allele origin: germline. Affected: yes. Observed: 1 variant allele.
Comment: SPR: PM2

OMIM
Classification: Pathogenic for DYSTONIA, DOPA-RESPONSIVE, DUE TO SEPIAPTERIN REDUCTASE DEFICIENCY. Last evaluated: 2004-09-01. Review status: no assertion criteria provided. Collection method: literature only. Allele origin: germline. Not counted in ClinVar's aggregate classification.

Literature cited by the submitters: PubMed 15241655 (cited by OMIM).

NM_003124.5(SPR):c.-13G>A

Genes: SPR (sepiapterin reductase; plus strand), LOC129934069 (ATAC-STARR-seq lymphoblastoid silent region 11626; plus strand). Cytogenetic location: 2p13.2.
Variant type: single nucleotide variant.
Coding change: c.-13G>A on transcript NM_003124.5 (MANE Select); 13 bases upstream of the start codon, G replaced by A.
Molecular consequence: 5 prime UTR variant.
Genome position (GRCh38, 1-based): chr2:72,887,420, G>A. VCF-style: chr2-72887420-G-A. GRCh37 (hg19) VCF-style: chr2-73114549-G-A.
Other names: -13G-A.
Identifiers: ClinVar variation 12942 (VCV000012942.18), dbSNP rs750423023, ClinGen allele CA1708885.